The following is an entry in ClinVar:

ClinVar aggregate classification (germline): Uncertain significance. Review status: criteria provided, multiple submitters, no conflicts (2 of 4 stars). 3 submissions from 3 submitters: Uncertain significance (3). Last evaluated 2024-04-17.

Conditions:
ALG1-congenital disorder of glycosylation. Also called: CONGENITAL DISORDER OF GLYCOSYLATION, TYPE Ik; ALG1-CDG; CDG Ik. Identifiers: Orphanet 79327, MedGen C2931005, MONDO:0012052, OMIM 608540.
Inborn genetic diseases. Identifiers: MedGen C0950123, MeSH D030342.

Allele frequency attached by ClinVar (database versions not stated): gnomAD 0.00001; gnomAD exomes 0.00002.
gnomAD v4.1: 39 of 1,613,944 alleles (0.0024%); highest among the groups gnomAD compares: Middle Eastern, 0.033%; no homozygotes.

Submissions (3):

Fulgent Genetics
Classification: Uncertain significance for ALG1-congenital disorder of glycosylation. Last evaluated: 2024-04-17. Review status: criteria provided, single submitter. Criteria: ACMG Guidelines, 2015. Collection method: clinical testing. Allele origin: germline.

Ambry Genetics
Classification: Uncertain significance for Inborn genetic diseases. Last evaluated: 2023-01-25. Review status: criteria provided, single submitter. Criteria: Ambry Variant Classification Scheme 2023. Collection method: clinical testing. Allele origin: germline.

Labcorp Genetics (formerly Invitae), Labcorp
Classification: Uncertain significance for ALG1-congenital disorder of glycosylation. Last evaluated: 2022-07-12. Review status: criteria provided, single submitter. Criteria: Invitae Variant Classification Sherloc (09022015). Collection method: clinical testing. Allele origin: germline.
Comment: This sequence change replaces asparagine, which is neutral and polar, with serine, which is neutral and polar, at codon 192 of the ALG1 protein (p.Asn192Ser). This variant is present in population databases (rs760563077, gnomAD 0.005%). This variant has not been reported in the literature in individuals affected with ALG1-related conditions. ClinVar contains an entry for this variant (Variation ID: 1397080). Algorithms developed to predict the effect of missense changes on protein structure and function (SIFT, PolyPhen-2, Align-GVGD) all suggest that this variant is likely to be tolerated. In summary, the available evidence is currently insufficient to determine the role of this variant in disease. Therefore, it has been classified as a Variant of Uncertain Significance.

NM_019109.5(ALG1):c.575A>G (p.Asn192Ser)

Gene: ALG1 (ALG1 chitobiosyldiphosphodolichol beta-mannosyltransferase; plus strand). Cytogenetic location: 16p13.3.
Variant type: single nucleotide variant.
Coding change: c.575A>G on transcript NM_019109.5 (MANE Select); coding-DNA position 575, A replaced by G.
Protein change: p.Asn192Ser; replaces asparagine 192 with serine.
Molecular consequence: missense variant.
Genome position (GRCh38, 1-based): chr16:5,077,480, A>G. VCF-style: chr16-5077480-A-G. GRCh37 (hg19) VCF-style: chr16-5127481-A-G.
Other names: c.242A>G, p.Asn81Ser (NM_001330504.2); c.575A>G (NM_019109.4); short protein forms N192S, N81S.
Identifiers: ClinVar variation 1397080 (VCV001397080.5), dbSNP rs760563077, ClinGen allele CA7889895.